The following is an entry in ClinVar:

ClinVar aggregate classification (germline): Benign. Review status: criteria provided, multiple submitters, no conflicts (2 of 4 stars). 7 submissions from 7 submitters: Benign (7). Last evaluated 2026-02-03.

Conditions:
Nephronophthisis 15 (NPHP15). Identifiers: Orphanet 3156, MedGen C3541853, MONDO:0013917, OMIM 614845.

Allele frequency attached by ClinVar (database versions not stated): gnomAD exomes 0.03386 and 0.02412; 1000 Genomes Project 0.01378; 1000 Genomes Project 30x 0.01421; ESP Exome Variant Server 0.02450; gnomAD 0.02482 and 0.02549; TOPMed 0.02523; ExAC 0.03066.
gnomAD v4.1: 53,172 of 1,609,834 alleles (3.3%); highest among the groups gnomAD compares: Middle Eastern, 5.4%; 1,055 homozygotes.

Submissions (7):

Labcorp Genetics (formerly Invitae), Labcorp
Classification: Benign for Nephronophthisis 15. Last evaluated: 2026-02-03. Review status: criteria provided, single submitter. Criteria: Invitae Variant Classification Sherloc (09022015). Collection method: clinical testing. Allele origin: germline.

Blueprint Genetics
Classification: Benign. Last evaluated: 2024-11-27. Review status: criteria provided, single submitter. Criteria: ACMG Guidelines, 2015. Collection method: clinical testing. Allele origin: germline.

Mayo Clinic Laboratories, Mayo Clinic
Classification: Benign. Last evaluated: 2023-09-01. Review status: criteria provided, single submitter. Criteria: ACMG Guidelines, 2015. Collection method: clinical testing. Allele origin: germline. Observed: 10 variant alleles.
Comment: BS1, BS2

Genome-Nilou Lab
Classification: Benign for Nephronophthisis 15. Last evaluated: 2021-07-22. Review status: criteria provided, single submitter. Criteria: ACMG Guidelines, 2015. Collection method: clinical testing. Allele origin: germline. Affected: no.

Eurofins Ntd Llc (ga)
Classification: Benign. Last evaluated: 2015-04-01. Review status: criteria provided, single submitter. Criteria: EGL Classification Definitions 2015. Collection method: clinical testing. Allele origin: germline. Observed: 1 variant allele, 1 heterozygote.

Breakthrough Genomics
Classification: Benign. Review status: criteria provided, single submitter. Criteria: ACMG Guidelines, 2015. Collection method: not provided. Allele origin: germline. Inheritance: Autosomal recessive inheritance. Affected: yes.

PreventionGenetics, part of Exact Sciences
Classification: Benign. Review status: criteria provided, single submitter. Criteria: ACMG Guidelines, 2015. Collection method: clinical testing. Allele origin: germline.

NM_014956.5(CEP164):c.1430A>G (p.His477Arg)

Gene: CEP164 (centrosomal protein 164; plus strand). Cytogenetic location: 11q23.3.
Variant type: single nucleotide variant.
Coding change: c.1430A>G on transcript NM_014956.5 (MANE Select); coding-DNA position 1430, A replaced by G.
Protein change: p.His477Arg; replaces histidine 477 with arginine.
Molecular consequence: missense variant.
Genome position (GRCh38, 1-based): chr11:117,381,721, A>G. VCF-style: chr11-117381721-A-G. GRCh37 (hg19) VCF-style: chr11-117252437-A-G.
Other names: p.His477Arg; c.1439A>G, p.His480Arg (NM_001271933.2); short protein forms H477R, H480R.
Identifiers: ClinVar variation 194251 (VCV000194251.20), dbSNP rs117083334, ClinGen allele CA201063.